The following is an entry in ClinVar:

NM_022124.6(CDH23):c.1290+217T>C

Gene: CDH23 (cadherin related 23; plus strand). Cytogenetic location: 10q22.1.
Variant type: single nucleotide variant.
Coding change: c.1290+217T>C on transcript NM_022124.6 (MANE Select); 217 bases into the intron after coding-DNA position 1290, T replaced by C.
Molecular consequence: intron variant.
Genome position (GRCh38, 1-based): chr10:71,646,197, T>C. VCF-style: chr10-71646197-T-C. GRCh37 (hg19) VCF-style: chr10-73405954-T-C.
Other names: c.1290+217T>C (NM_001171930.2, NM_001171931.2, NM_052836.4).
Identifiers: ClinVar variation 678781 (VCV000678781.4), dbSNP rs2305208, ClinGen allele CA15654215.

ClinVar aggregate classification (germline): Benign. Review status: criteria provided, multiple submitters, no conflicts (2 of 4 stars). 3 submissions from 2 submitters: Benign (3). Last evaluated 2021-07-01.

Conditions:
Usher syndrome type 1D (USH1D). Also called: USHER SYNDROME, TYPE ID. Identifiers: Orphanet 231169, Orphanet 886, MedGen C1832845, MONDO:0010984, OMIM 601067.
Autosomal recessive nonsyndromic hearing loss 12. Also called: DEAFNESS, AUTOSOMAL RECESSIVE 12. Identifiers: Orphanet 90636, MedGen C1832394, MONDO:0011067, OMIM 601386.

Allele frequency attached by ClinVar (database versions not stated): 1000 Genomes Project 30x 0.11181; 1000 Genomes Project 0.11362; TOPMed 0.13240; gnomAD 0.13525 and 0.13557.
gnomAD v4.1: 20,292 of 148,502 alleles (14%); highest among the groups gnomAD compares: South Asian, 19%; 1,500 homozygotes.

Submissions (3):

Genome-Nilou Lab
Classification: Benign for Usher syndrome type 1D. Last evaluated: 2021-07-01. Review status: criteria provided, single submitter. Criteria: ACMG Guidelines, 2015. Collection method: clinical testing. Allele origin: germline. Affected: no.

Genome-Nilou Lab
Classification: Benign for Autosomal recessive nonsyndromic hearing loss 12. Last evaluated: 2021-07-01. Review status: criteria provided, single submitter. Criteria: ACMG Guidelines, 2015. Collection method: clinical testing. Allele origin: germline. Affected: no.

GeneDx
Classification: Benign. Last evaluated: 2018-06-14. Review status: criteria provided, single submitter. Criteria: GeneDx Variant Classification (06012015). Collection method: clinical testing. Allele origin: germline. Affected: yes.
Comment: This variant is considered likely benign or benign based on one or more of the following criteria: it is a conservative change, it occurs at a poorly conserved position in the protein, it is predicted to be benign by multiple in silico algorithms, and/or has population frequency not consistent with disease.